The following is an entry in ClinVar:

NM_001378454.1(ALMS1):c.208G>A (p.Asp70Asn)

Gene: ALMS1 (ALMS1 centrosome and basal body associated protein; plus strand). Cytogenetic location: 2p13.1.
Variant type: single nucleotide variant.
Coding change: c.208G>A on transcript NM_001378454.1 (MANE Select); coding-DNA position 208, G replaced by A.
Protein change: p.Asp70Asn; replaces aspartic acid 70 with asparagine.
Molecular consequence: missense variant.
Genome position (GRCh38, 1-based): chr2:73,386,076, G>A. VCF-style: chr2-73386076-G-A. GRCh37 (hg19) VCF-style: chr2-73613204-G-A.
Other names: c.211G>A, p.Asp71Asn (NM_015120.4); short protein forms D70N, D71N.
Identifiers: ClinVar variation 1389676 (VCV001389676.7), dbSNP rs2104059373, ClinGen allele CA347250835.
Genomic context (GRCh38, chr2:73,386,076, plus strand): 5'-GCGGGGCGGGAGTTGGACTCCGACTCTCACTACGGGCCCCAGCATCTGGAAAGTATAGAC[G>A]ACGAGGAGGACGAGGAGGCCAAGGCCTGGCTGCAGGCGCACCCCGGCAGGATTTTGCCTC-3'
Protein context (NP_001365383.1, residues 60-80): YGPQHLESID[Asp70Asn]EEDEEAKAWL

ClinVar aggregate classification (germline): Uncertain significance. Review status: criteria provided, multiple submitters, no conflicts (2 of 4 stars). 2 submissions from 2 submitters: Uncertain significance (2). Last evaluated 2025-10-12.

Conditions:
ALMS1-related disorder. Also called: ALMS1-related condition.
Alstrom syndrome (ALMS). Identifiers: Orphanet 64, MedGen C0268425, MONDO:0008763, OMIM 203800.

Allele frequency attached by ClinVar (database versions not stated): gnomAD exomes below 0.00001.
gnomAD v4.1: 2 of 1,595,454 alleles (0.00013%); highest among the groups gnomAD compares: Non-Finnish European, 0.00017%; no homozygotes.

Submissions (2):

PreventionGenetics, part of Exact Sciences
Classification: Uncertain significance for ALMS1-related condition. Last evaluated: 2025-10-12. Review status: criteria provided, single submitter. Criteria: ACMG Guidelines, 2015. Collection method: clinical testing. Allele origin: germline.
Comment: The ALMS1 c.211G>A variant is predicted to result in the amino acid substitution p.Glu71Lys. To our knowledge, this variant has not been reported in the literature. This variant is reported in 0.0011% of alleles in individuals of European (Non-Finnish) descent in gnomAD. At this time, the clinical significance of this variant is uncertain due to the absence of conclusive functional and genetic evidence.

Labcorp Genetics (formerly Invitae), Labcorp
Classification: Uncertain significance for Alstrom syndrome. Last evaluated: 2021-06-13. Review status: criteria provided, single submitter. Criteria: Invitae Variant Classification Sherloc (09022015). Collection method: clinical testing. Allele origin: germline.
Comment: Experimental studies and prediction algorithms are not available or were not evaluated, and the functional significance of this variant is currently unknown. This sequence change replaces aspartic acid with asparagine at codon 71 of the ALMS1 protein (p.Asp71Asn). The aspartic acid residue is weakly conserved and there is a small physicochemical difference between aspartic acid and asparagine. This variant is not present in population databases (ExAC no frequency). This variant has not been reported in the literature in individuals with ALMS1-related conditions. In summary, the available evidence is currently insufficient to determine the role of this variant in disease. Therefore, it has been classified as a Variant of Uncertain Significance.